The following is an entry in ClinVar:

NM_175914.5(HNF4A):c.263_269delinsGC (p.Asn88fs)

Gene: HNF4A (hepatocyte nuclear factor 4 alpha; plus strand). Cytogenetic location: 20q13.12.
Variant type: Indel.
Coding change: c.263_269delinsGC on transcript NM_175914.5 (MANE Select); coding-DNA positions 263 to 269, ACCAGTG replaced by GC.
Protein change: p.Asn88fs; shifts the reading frame from asparagine 88.
Molecular consequence: frameshift variant.
Genome position (GRCh38, 1-based): chr20:44,407,419-44,407,425, ACCAGTG replaced by GC. VCF-style: chr20-44407419-ACCAGTG-GC. GRCh37 (hg19) VCF-style: chr20-43036059-ACCAGTG-GC.
Other names: c.329_335delinsGC, p.Asn110fs (NM_000457.6, NM_178849.3, NM_178850.3); c.263_269delinsGC, p.Asn88fs (NM_001030003.3, NM_001030004.3); c.308_314delinsGC, p.Asn103fs (NM_001258355.2); c.254_260delinsGC, p.Asn85fs (NM_001287182.2, NM_001287183.2, NM_001287184.2); short protein forms N103fs, N110fs, N85fs, N88fs.
Identifiers: ClinVar variation 4536691 (VCV004536691.1).

ClinVar aggregate classification (germline): Pathogenic (1 of 4 stars; one submission).

Conditions:
Maturity-onset diabetes of the young (MODY). Also called: Maturity onset diabetes mellitus in young. Identifiers: Orphanet 552, MedGen C0342276, MONDO:0018911, HP:0004904.

Submission:

Women's Health and Genetics/Laboratory Corporation of America, LabCorp
Classification: Pathogenic for Maturity-onset diabetes of the young. Last evaluated: 2025-11-28. Review status: criteria provided, single submitter. Criteria: LabCorp Variant Classification Summary - May 2015. Collection method: clinical testing. Allele origin: germline.
Comment: Variant summary: HNF4A c.263_269delinsGC (p.Asn88SerfsX22) results in a premature termination codon, predicted to cause a truncation of the encoded protein or absence of the protein due to nonsense mediated decay, which are commonly known mechanisms for disease. The variant was absent in 246892 control chromosomes. To our knowledge, no occurrence of c.263_269delinsGC in individuals affected with HNF4A-related conditions and no experimental evidence demonstrating its impact on protein function have been reported. No submitters have cited clinical-significance assessments for this variant to ClinVar. Based on the evidence outlined above, the variant was classified as pathogenic.